The following is an entry in ClinVar:

NC_000009.11:g.(?_98209194)_(98220585_?)del

Gene: PTCH1 (patched 1; minus strand). Cytogenetic location: 9q22.32.
Variant type: Deletion.
Identifiers: ClinVar variation 1457317 (VCV001457317.4).

ClinVar aggregate classification (germline): Pathogenic (1 of 4 stars; one submission).

Conditions:
Gorlin syndrome. Also called: Nevoid Basal Cell Carcinoma Syndrome; Basal cell nevus syndrome. Identifiers: Orphanet 377, MedGen C0004779, MONDO:0007187.

Submission:

Labcorp Genetics (formerly Invitae), Labcorp
Classification: Pathogenic for Gorlin syndrome. Last evaluated: 2021-06-15. Review status: criteria provided, single submitter. Criteria: Invitae Variant Classification Sherloc (09022015). Collection method: clinical testing. Allele origin: germline.
Comment: This variant is a gross deletion of the genomic region encompassing exon(s) 18-23 of the PTCH1 gene. The 5' boundary is likely confined to intron 17. The 3' end of this event is unknown as it extends through the termination codon beyond the assayed region for this gene and may encompass additional genes. While this deletion is not anticipated to lead to nonsense mediated decay, it is expected to alter mRNA translation or result in a truncated protein product. For these reasons, this variant has been classified as Pathogenic. The region of the PTCH1 gene that includes exon(s) 21-22 has been determined to be clinically significant (PMID: 30411536, Invitae). Therefore, deletions that encompass that region are likely to disrupt protein function and cause disease. This variant has not been reported in the literature in individuals with PTCH1-related conditions.

Literature cited by the submitters: PubMed 30411536.